The following is an entry in ClinVar:

ClinVar aggregate classification (germline): Uncertain significance. Review status: criteria provided, multiple submitters, no conflicts (2 of 4 stars). 3 submissions from 3 submitters: Uncertain significance (3). Last evaluated 2026-04-08.

Conditions:
Inborn genetic diseases. Identifiers: MedGen C0950123, MeSH D030342.

Allele frequency attached by ClinVar (database versions not stated): TOPMed 0.00001; gnomAD exomes 0.00001.
gnomAD v4.1: 18 of 1,614,196 alleles (0.0011%); highest among the groups gnomAD compares: Admixed American, 0.0033%; no homozygotes.

Submissions (3):

Ambry Genetics
Classification: Uncertain significance for Inborn genetic diseases. Last evaluated: 2026-04-08. Review status: criteria provided, single submitter. Criteria: Ambry Variant Classification Scheme 2023. Collection method: clinical testing. Allele origin: germline.

Labcorp Genetics (formerly Invitae), Labcorp
Classification: Uncertain significance. Last evaluated: 2024-05-22. Review status: criteria provided, single submitter. Criteria: Invitae Variant Classification Sherloc (09022015). Collection method: clinical testing. Allele origin: germline.
Comment: This sequence change replaces arginine, which is basic and polar, with cysteine, which is neutral and slightly polar, at codon 892 of the MTHFD1 protein (p.Arg892Cys). This variant is present in population databases (no rsID available, gnomAD 0.003%). This variant has not been reported in the literature in individuals affected with MTHFD1-related conditions. Advanced modeling of protein sequence and biophysical properties (such as structural, functional, and spatial information, amino acid conservation, physicochemical variation, residue mobility, and thermodynamic stability) performed at Invitae indicates that this missense variant is not expected to disrupt MTHFD1 protein function with a negative predictive value of 80%. In summary, the available evidence is currently insufficient to determine the role of this variant in disease. Therefore, it has been classified as a Variant of Uncertain Significance.

Blueprint Genetics
Classification: Uncertain significance. Last evaluated: 2023-05-08. Review status: criteria provided, single submitter. Criteria: ACMG Guidelines, 2015. Collection method: clinical testing. Allele origin: germline.

NM_005956.4(MTHFD1):c.2674C>T (p.Arg892Cys)

Genes: MTHFD1 (methylenetetrahydrofolate dehydrogenase, cyclohydrolase and formyltetrahydrofolate synthetase 1; plus strand), ZBTB25 (zinc finger and BTB domain containing 25; minus strand). Cytogenetic location: 14q23.3.
Variant type: single nucleotide variant.
Coding change: c.2674C>T on transcript NM_005956.4 (MANE Select); coding-DNA position 2674, C replaced by T.
Protein change: p.Arg892Cys; replaces arginine 892 with cysteine.
Molecular consequence: missense variant. On other transcripts: intron variant (1).
Genome position (GRCh38, 1-based): chr14:64,454,831, C>T. VCF-style: chr14-64454831-C-T. GRCh37 (hg19) VCF-style: chr14-64921549-C-T.
Other names: c.2674C>T, p.Arg892Cys (NM_001364837.1); c.174-5193G>A (NM_001304508.1); short protein forms R892C.
Identifiers: ClinVar variation 2762460 (VCV002762460.4), dbSNP rs1038153439, ClinGen allele CA261856491.
Genomic context (GRCh38, chr14:64,454,831, plus strand): 5'-TCTCACAACCCAGAGCAAAAAGGTGTCCCTACAGGCTTCATTCTGCCCATTCGCGACATC[C>T]GCGCCAGCGTTGGGGCTGGTTTTCTGTACCCCTTAGTAGGAACGGTAAGTGCATGCTGCA-3'
Protein context (NP_005947.3, residues 882-902): TGFILPIRDI[Arg892Cys]ASVGAGFLYP